The following is an entry in ClinVar:

ClinVar aggregate classification (germline): Uncertain significance. Review status: criteria provided, multiple submitters, no conflicts (2 of 4 stars). 2 submissions from 2 submitters: Uncertain significance (2). Last evaluated 2024-12-08.

Conditions:
Inborn genetic diseases. Identifiers: MedGen C0950123, MeSH D030342.
Fanconi anemia (FA). Also called: Fanconi's anemia. Identifiers: Orphanet 84, MedGen C0015625, MeSH D005199, MONDO:0019391.

Allele frequency attached by ClinVar (database versions not stated): TOPMed below 0.00001; ESP Exome Variant Server 0.00008.
gnomAD v4.1: 2 of 1,609,598 alleles (0.00012%); highest among the groups gnomAD compares: Non-Finnish European, 0.00017%; no homozygotes.

Submissions (2):

Ambry Genetics
Classification: Uncertain significance for Inborn genetic diseases. Last evaluated: 2024-12-08. Review status: criteria provided, single submitter. Criteria: Ambry Variant Classification Scheme 2023. Collection method: clinical testing. Allele origin: germline.
Comment: The p.D1440N variant (also known as c.4318G>A) is located in coding exon 16 of the FANCM gene. The aspartic acid at codon 1440 is replaced by asparagine, an amino acid with highly similar properties. This change occurs in the first base pair of coding exon 16. This amino acid position is conserved. In addition, this alteration is predicted to be tolerated by in silico analysis. Based on the available evidence, the clinical significance of this variant remains unclear.

Labcorp Genetics (formerly Invitae), Labcorp
Classification: Uncertain significance for Fanconi anemia. Last evaluated: 2022-06-01. Review status: criteria provided, single submitter. Criteria: Invitae Variant Classification Sherloc (09022015). Collection method: clinical testing. Allele origin: germline.
Comment: This sequence change replaces aspartic acid, which is acidic and polar, with asparagine, which is neutral and polar, at codon 1440 of the FANCM protein (p.Asp1440Asn). This variant has not been reported in the literature in individuals affected with FANCM-related conditions. In summary, the available evidence is currently insufficient to determine the role of this variant in disease. Therefore, it has been classified as a Variant of Uncertain Significance. This variant is not present in population databases (gnomAD no frequency). Algorithms developed to predict the effect of sequence changes on RNA splicing suggest that this variant may disrupt the consensus splice site. Algorithms developed to predict the effect of missense changes on protein structure and function output the following: SIFT: "Tolerated"; PolyPhen-2: "Benign"; Align-GVGD: "Class C0". The asparagine amino acid residue is found in multiple mammalian species, which suggests that this missense change does not adversely affect protein function.

NM_020937.4(FANCM):c.4318G>A (p.Asp1440Asn)

Gene: FANCM (FA complementation group M; plus strand). Cytogenetic location: 14q21.2.
Variant type: single nucleotide variant.
Coding change: c.4318G>A on transcript NM_020937.4 (MANE Select); coding-DNA position 4318, G replaced by A.
Protein change: p.Asp1440Asn; replaces aspartic acid 1440 with asparagine.
Molecular consequence: missense variant.
Genome position (GRCh38, 1-based): chr14:45,181,637, G>A. VCF-style: chr14-45181637-G-A. GRCh37 (hg19) VCF-style: chr14-45650840-G-A.
Other names: c.4240G>A, p.Asp1414Asn (NM_001308133.2); short protein forms D1440N, D1414N.
Identifiers: ClinVar variation 2139938 (VCV002139938.5), dbSNP rs371486598, ClinGen allele CA259633056.